The following is an entry in ClinVar:

ClinVar aggregate classification (germline): Uncertain significance (1 of 4 stars; one submission).

Conditions:
Cardiovascular phenotype. Identifiers: MedGen CN230736.

Allele frequency attached by ClinVar (database versions not stated): ExAC 0.00001; 1000 Genomes Project 30x 0.00016; 1000 Genomes Project 0.00020.
gnomAD v4.1: 15 of 1,608,900 alleles (0.00093%); highest among the groups gnomAD compares: East Asian, 0.0089%; no homozygotes.

Submission:

Ambry Genetics
Classification: Uncertain significance for Cardiovascular phenotype. Last evaluated: 2023-06-05. Review status: criteria provided, single submitter. Criteria: Ambry Variant Classification Scheme 2023. Collection method: clinical testing. Allele origin: germline.
Comment: The p.A1231E variant (also known as c.3692C>A), located in coding exon 8 of the TNXB gene, results from a C to A substitution at nucleotide position 3692. The alanine at codon 1231 is replaced by glutamic acid, an amino acid with dissimilar properties. This amino acid position is conserved. In addition, this alteration is predicted to be tolerated by in silico analysis. Since supporting evidence is limited at this time, the clinical significance of this alteration remains unclear.

NM_001365276.2(TNXB):c.3692C>A (p.Ala1231Glu)

Gene: TNXB (tenascin XB; minus strand). Cytogenetic location: 6p21.33.
Variant type: single nucleotide variant.
Coding change: c.3692C>A on transcript NM_001365276.2 (MANE Select); coding-DNA position 3692, C replaced by A.
Protein change: p.Ala1231Glu; replaces alanine 1231 with glutamic acid.
Molecular consequence: missense variant.
Genome position (GRCh38, 1-based): chr6:32,082,080, G>T on the plus strand (C>A on the coding strand, the complement: TNXB is on the minus strand). VCF-style: chr6-32082080-G-T. GRCh37 (hg19) VCF-style: chr6-32049857-G-T.
Other names: c.3692C>A, p.Ala1231Glu (NM_019105.8); short protein forms A1231E.
Identifiers: ClinVar variation 2565767 (VCV002565767.2), dbSNP rs146399029, ClinGen allele CA3735136.